The following is an entry in ClinVar:

ClinVar aggregate classification (germline): Pathogenic. Review status: criteria provided, multiple submitters, no conflicts (2 of 4 stars). 2 submissions from 2 submitters: Pathogenic (2). Last evaluated 2023-01-22.

Conditions:
Neurofibromatosis, type 1 (NF1). Also called: Peripheral type neurofibromatosis; NEUROFIBROMATOSIS, TYPE I, SOMATIC; Neurofibromatosis, type I; VON RECKLINGHAUSEN DISEASE. Identifiers: Orphanet 636, MedGen C0027831, MONDO:0018975, OMIM 162200. Disease mechanism: loss of function.

Allele frequency attached by ClinVar (database versions not stated): gnomAD exomes below 0.00001.

Submissions (2):

Labcorp Genetics (formerly Invitae), Labcorp
Classification: Pathogenic for Neurofibromatosis, type 1. Last evaluated: 2023-01-22. Review status: criteria provided, single submitter. Criteria: Invitae Variant Classification Sherloc (09022015). Collection method: clinical testing. Allele origin: germline.
Comment: This variant is not present in population databases (gnomAD no frequency). For these reasons, this variant has been classified as Pathogenic. ClinVar contains an entry for this variant (Variation ID: 803365). This premature translational stop signal has been observed in individual(s) with neurofibromatosis type 1 (PMID: 31766501). This sequence change creates a premature translational stop signal (p.Asn1662*) in the NF1 gene. It is expected to result in an absent or disrupted protein product. Loss-of-function variants in NF1 are known to be pathogenic (PMID: 10712197, 23913538).

Mendelics
Classification: Pathogenic for Neurofibromatosis, type 1. Last evaluated: 2019-05-28. Review status: criteria provided, single submitter. Criteria: Mendelics Assertion Criteria 2017. Collection method: clinical testing. Allele origin: unknown.

Literature cited by the submitters: PubMed 31766501 (cited by Labcorp Genetics (formerly Invitae), Labcorp); PubMed 10712197 (cited by Labcorp Genetics (formerly Invitae), Labcorp); PubMed 23913538 (cited by Labcorp Genetics (formerly Invitae), Labcorp).

NM_001042492.3(NF1):c.5046dup (p.Asn1683Ter)

Gene: NF1 (neurofibromin 1; plus strand). Cytogenetic location: 17q11.2.
Variant type: Duplication.
Coding change: c.5046dup on transcript NM_001042492.3 (MANE Select); coding-DNA position 5046, one base duplicated (T; older notation c.5046dupT).
Protein change: p.Asn1683Ter; replaces asparagine 1683 with a stop codon.
Molecular consequence: nonsense. On other transcripts: frameshift variant (1).
Genome position (GRCh38, 1-based): chr17:31,326,030, T duplicated. VCF-style (leftmost placement, unchanged base first): chr17-31326029-G-GT. GRCh37 (hg19) VCF-style: chr17-29653047-G-GT.
Other names: c.4983dup, p.Asn1662Terfs (NM_000267.4); short protein forms N1662*, N1683*.
Identifiers: ClinVar variation 803365 (VCV000803365.5), dbSNP rs1597829913, ClinGen allele CA915949799.